The following is an entry in ClinVar:

ClinVar aggregate classification (germline): Uncertain significance. Review status: criteria provided, multiple submitters, no conflicts (2 of 4 stars). 4 submissions from 4 submitters: Uncertain significance (4). Last evaluated 2025-12-18.

Conditions:
Hereditary cancer-predisposing syndrome. Also called: Tumor predisposition; Hereditary Cancer Syndrome; Neoplastic Syndromes, Hereditary; Hereditary neoplastic syndrome. Identifiers: Orphanet 140162, MedGen C0027672, MeSH D009386, MONDO:0015356.
Familial cancer of breast. Also called: Hereditary breast cancer; BREAST CANCER, FAMILIAL; hereditary breast carcinoma. Identifiers: Orphanet 227535, MedGen C0346153, MONDO:0016419, OMIM 114480. Disease mechanism: loss of function.

Submissions (4):

Ambry Genetics
Classification: Uncertain significance for Hereditary cancer-predisposing syndrome. Last evaluated: 2025-12-18. Review status: criteria provided, single submitter. Criteria: Ambry Variant Classification Scheme 2023. Collection method: clinical testing. Allele origin: germline.
Comment: The p.V750A variant (also known as c.2249T>C), located in coding exon 5 of the PALB2 gene, results from a T to C substitution at nucleotide position 2249. The valine at codon 750 is replaced by alanine, an amino acid with similar properties. This amino acid position is poorly conserved in available vertebrate species. In addition, this alteration is predicted to be tolerated by in silico analysis. Since supporting evidence is limited at this time, the clinical significance of this alteration remains unclear.

Labcorp Genetics (formerly Invitae), Labcorp
Classification: Uncertain significance for Familial cancer of breast. Last evaluated: 2025-06-23. Review status: criteria provided, single submitter. Criteria: Invitae Variant Classification Sherloc (09022015). Collection method: clinical testing. Allele origin: germline.
Comment: This sequence change replaces valine, which is neutral and non-polar, with alanine, which is neutral and non-polar, at codon 750 of the PALB2 protein (p.Val750Ala). This variant is not present in population databases (gnomAD no frequency). This variant has not been reported in the literature in individuals affected with PALB2-related conditions. ClinVar contains an entry for this variant (Variation ID: 492179). Invitae Evidence Modeling of protein sequence and biophysical properties (such as structural, functional, and spatial information, amino acid conservation, physicochemical variation, residue mobility, and thermodynamic stability) indicates that this missense variant is not expected to disrupt PALB2 protein function with a negative predictive value of 80%. In summary, the available evidence is currently insufficient to determine the role of this variant in disease. Therefore, it has been classified as a Variant of Uncertain Significance.

Color Diagnostics, LLC DBA Color Health
Classification: Uncertain significance for Hereditary cancer-predisposing syndrome. Last evaluated: 2023-12-05. Review status: criteria provided, single submitter. Criteria: ACMG Guidelines, 2015. Collection method: clinical testing. Allele origin: germline.
Comment: This missense variant replaces valine with alanine at codon 750 of the PALB2 protein. Computational prediction suggests that this variant may not impact protein structure and function (internally defined REVEL score threshold <= 0.5, PMID: 27666373). To our knowledge, functional studies have not been reported for this variant. This variant has not been reported in individuals affected with PALB2-related disorders in the literature. This variant has not been identified in the general population by the Genome Aggregation Database (gnomAD). The available evidence is insufficient to determine the role of this variant in disease conclusively. Therefore, this variant is classified as a Variant of Uncertain Significance.

Institute for Clinical Genetics, University Hospital TU Dresden, University Hospital TU Dresden
Classification: Uncertain significance. Last evaluated: 2021-11-03. Review status: criteria provided, single submitter. Criteria: ACMG Guidelines, 2015. Collection method: clinical testing. Allele origin: germline.

NM_024675.4(PALB2):c.2249T>C (p.Val750Ala)

Gene: PALB2 (partner and localizer of BRCA2; minus strand). Cytogenetic location: 16p12.2.
Variant type: single nucleotide variant.
Coding change: c.2249T>C on transcript NM_024675.4 (MANE Select); coding-DNA position 2249, T replaced by C.
Protein change: p.Val750Ala; replaces valine 750 with alanine.
Molecular consequence: missense variant.
Genome position (GRCh38, 1-based): chr16:23,629,905, A>G on the plus strand (T>C on the coding strand, the complement: PALB2 is on the minus strand). VCF-style: chr16-23629905-A-G. GRCh37 (hg19) VCF-style: chr16-23641226-A-G.
Other names: short protein forms V750A.
Identifiers: ClinVar variation 492179 (VCV000492179.23), dbSNP rs1555460430, ClinGen allele CA395125470.